The following is an entry in ClinVar:

NM_001267550.2(TTN):c.3381-325dup

Gene: TTN (titin; minus strand). Cytogenetic location: 2q31.2.
Variant type: Duplication.
Coding change: c.3381-325dup on transcript NM_001267550.2 (MANE Select); 325 bases into the intron before coding-DNA position 3381, one base duplicated (A; older notation c.3381-325dupA).
Molecular consequence: intron variant.
Genome position (GRCh38, 1-based): chr2:178,781,584, T duplicated on the plus strand (A on the coding strand, the reverse complement: TTN is on the minus strand); the first of 5 consecutive T bases (chr2:178,781,584-178,781,588); duplicating any one gives the same sequence. VCF-style (leftmost placement, unchanged base first): chr2-178781583-A-AT. GRCh37 (hg19) VCF-style: chr2-179646310-A-AT.
Other names: c.3381-321dupA (NM_001256850.1); c.3243-325dup (NM_003319.4, NM_133437.4, NM_133432.3); c.3381-325dup (NM_133378.4, NM_001256850.1, NM_133379.5).
Identifiers: ClinVar variation 680822 (VCV000680822.1), dbSNP rs141324241, ClinGen allele CA60980536.

ClinVar aggregate classification (germline): Benign (1 of 4 stars; one submission).

Submission:

GeneDx
Classification: Benign. Last evaluated: 2018-06-14. Review status: criteria provided, single submitter. Criteria: GeneDx Variant Classification (06012015). Collection method: clinical testing. Allele origin: germline. Affected: yes.
Comment: This variant is considered likely benign or benign based on one or more of the following criteria: it is a conservative change, it occurs at a poorly conserved position in the protein, it is predicted to be benign by multiple in silico algorithms, and/or has population frequency not consistent with disease.